The following is an entry in ClinVar:

ClinVar aggregate classification (germline): Uncertain significance. Review status: criteria provided, multiple submitters, no conflicts (2 of 4 stars). 2 submissions from 2 submitters: Uncertain significance (2). Last evaluated 2026-01-13.

Conditions:
CPE-related disorder. Also called: CPE-related condition.
Inborn genetic diseases. Identifiers: MedGen C0950123, MeSH D030342.

gnomAD v4.1: 26 of 1,613,922 alleles (0.0016%); highest among the groups gnomAD compares: Admixed American, 0.005%; no homozygotes.

Submissions (2):

PreventionGenetics, part of Exact Sciences
Classification: Uncertain significance for CPE-related condition. Last evaluated: 2026-01-13. Review status: criteria provided, single submitter. Criteria: ACMG Guidelines, 2015. Collection method: clinical testing. Allele origin: germline.
Comment: The CPE c.710T>C variant is predicted to result in the amino acid substitution p.Met237Thr. To our knowledge, this variant has not been reported in the literature. This variant is reported in 0.00088% of alleles in individuals of European (Non-Finnish) descent in gnomAD. At this time, the clinical significance of this variant is uncertain due to the absence of conclusive functional and genetic evidence.

Ambry Genetics
Classification: Uncertain significance for Inborn genetic diseases. Last evaluated: 2025-04-03. Review status: criteria provided, single submitter. Criteria: Ambry Variant Classification Scheme 2023. Collection method: clinical testing. Allele origin: germline.

NM_001873.4(CPE):c.710T>C (p.Met237Thr)

Gene: CPE (carboxypeptidase E; plus strand). Cytogenetic location: 4q32.3.
Variant type: single nucleotide variant.
Coding change: c.710T>C on transcript NM_001873.4 (MANE Select); coding-DNA position 710, T replaced by C.
Protein change: p.Met237Thr; replaces methionine 237 with threonine.
Molecular consequence: missense variant.
Genome position (GRCh38, 1-based): chr4:165,482,279, T>C. VCF-style: chr4-165482279-T-C. GRCh37 (hg19) VCF-style: chr4-166403431-T-C.
Other names: c.710T>C (NM_001873.3); short protein forms M237T.
Identifiers: ClinVar variation 4006158 (VCV004006158.2).